The following is an entry in ClinVar:

NM_001622.4(AHSG):c.804C>T (p.Val268=)

Gene: AHSG (alpha 2-HS glycoprotein; plus strand). Cytogenetic location: 3q27.3.
Variant type: single nucleotide variant.
Coding change: c.804C>T on transcript NM_001622.4 (MANE Select); coding-DNA position 804, C replaced by T.
Protein change: p.Val268=; no amino-acid change (valine 268 retained).
Molecular consequence: synonymous variant.
Genome position (GRCh38, 1-based): chr3:186,620,630, C>T. VCF-style: chr3-186620630-C-T. GRCh37 (hg19) VCF-style: chr3-186338419-C-T.
Other names: c.807C>T, p.Val269= (NM_001354571.2); c.801C>T, p.Val267= (NM_001354572.2); c.720C>T, p.Val240= (NM_001354573.2); c.804C>T (NM_001622.2).
Identifiers: ClinVar variation 2654334 (VCV002654334.25), dbSNP rs144873304, ClinGen allele CA2745043.
Genomic context (GRCh38, chr3:186,620,630, plus strand): 5'-ATGGTCCTTTTTCCAGCCCGTGAGCTCACAGCCCCAACCAGAAGGTGCCAATGAAGCAGT[C>T]CCCACACCCGTGGTGGACCCAGATGCACCTCCGTCCCCTCCACTTGGCGCACCTGGACTC-3'
Protein context (NP_001613.2, residues 258-278): QPQPEGANEA[Val268=]PTPVVDPDAP

ClinVar aggregate classification (germline): Likely benign. Review status: criteria provided, single submitter (1 of 4 stars). 2 submissions from 2 submitters: Likely benign (1). 1 of the submissions does not count toward it. Last evaluated 2023-07-01.

Conditions:
AHSG-related disorder. Also called: AHSG-related condition.

Allele frequency attached by ClinVar (database versions not stated): 1000 Genomes Project 30x 0.00031; 1000 Genomes Project 0.00040; TOPMed 0.00126; gnomAD 0.00164; gnomAD exomes 0.00175; ExAC 0.00184; ESP Exome Variant Server 0.00200.
gnomAD v4.1: 2,805 of 1,612,762 alleles (0.17%); highest among the groups gnomAD compares: South Asian, 0.24%; 8 homozygotes.

Submissions (2):

CeGaT Center for Human Genetics Tuebingen
Classification: Likely benign. Last evaluated: 2023-07-01. Review status: criteria provided, single submitter. Criteria: CeGaT Center For Human Genetics Tuebingen Variant Classification Criteria Version 2. Collection method: clinical testing. Allele origin: germline. Affected: yes. Observed: 6 variant alleles.
Comment: AHSG: BP4, BP7, BS2

PreventionGenetics, part of Exact Sciences
Classification: Likely benign for AHSG-related condition. Last evaluated: 2019-09-17. Review status: no assertion criteria provided. Collection method: clinical testing. Allele origin: germline. Not counted in ClinVar's aggregate classification.
Comment: This variant is classified as likely benign based on ACMG/AMP sequence variant interpretation guidelines (Richards et al. 2015 PMID: 25741868, with internal and published modifications).